The following is an entry in ClinVar:

NM_007198.4(PLPBP):c.614G>A (p.Arg205Gln)

Gene: PLPBP (pyridoxal phosphate binding protein; plus strand). Cytogenetic location: 8p11.23.
Variant type: single nucleotide variant.
Coding change: c.614G>A on transcript NM_007198.4 (MANE Select); coding-DNA position 614, G replaced by A.
Protein change: p.Arg205Gln; replaces arginine 205 with glutamine.
Molecular consequence: missense variant.
Genome position (GRCh38, 1-based): chr8:37,775,934, G>A. VCF-style: chr8-37775934-G-A. GRCh37 (hg19) VCF-style: chr8-37633452-G-A.
Other names: c.644G>A, p.Arg215Gln (NM_001349346.2); c.608G>A, p.Arg203Gln (NM_001349347.2); c.458G>A, p.Arg153Gln (NM_001349348.2); short protein forms R203Q, R205Q, R153Q, R215Q.
Identifiers: ClinVar variation 2136657 (VCV002136657.4), dbSNP rs770741304, ClinGen allele CA4711298.

ClinVar aggregate classification (germline): Likely pathogenic (1 of 4 stars; one submission).

Allele frequency attached by ClinVar (database versions not stated): TOPMed below 0.00001; gnomAD exomes 0.00001; ExAC 0.00002.
gnomAD v4.1: 15 of 1,613,600 alleles (0.00093%); highest among the groups gnomAD compares: East Asian, 0.0022%; no homozygotes.

Submission:

Labcorp Genetics (formerly Invitae), Labcorp
Classification: Likely pathogenic. Last evaluated: 2024-10-16. Review status: criteria provided, single submitter. Criteria: Invitae Variant Classification Sherloc (09022015). Collection method: clinical testing. Allele origin: germline.
Comment: This sequence change replaces arginine, which is basic and polar, with glutamine, which is neutral and polar, at codon 205 of the PROSC protein (p.Arg205Gln). This variant is present in population databases (rs770741304, gnomAD 0.003%). This missense change has been observed in individual(s) with clinical features of PROSC-related conditions (PMID: 28391250, 30525118). In at least one individual the data is consistent with being in trans (on the opposite chromosome) from a pathogenic variant. ClinVar contains an entry for this variant (Variation ID: 2136657). Invitae Evidence Modeling of protein sequence and biophysical properties (such as structural, functional, and spatial information, amino acid conservation, physicochemical variation, residue mobility, and thermodynamic stability) indicates that this missense variant is not expected to disrupt PROSC protein function with a negative predictive value of 80%. Experimental studies have shown that this missense change affects PROSC function (PMID: 29689137). Algorithms developed to predict the effect of sequence changes on RNA splicing suggest that this variant may disrupt the consensus splice site. In summary, the currently available evidence indicates that the variant is pathogenic, but additional data are needed to prove that conclusively. Therefore, this variant has been classified as Likely Pathogenic.

Literature cited by the submitters: PubMed 28391250; PubMed 30525118; PubMed 29689137.